The following is an entry in ClinVar:

ClinVar aggregate classification (germline): Uncertain significance. Review status: criteria provided, multiple submitters, no conflicts (2 of 4 stars). 2 submissions from 2 submitters: Uncertain significance (2). Last evaluated 2025-05-05.

Conditions:
Charcot-Marie-Tooth disease type 2. Also called: Charcot-Marie-Tooth type 2. Identifiers: Orphanet 64746, MedGen C0270914, MONDO:0018993.

Submissions (2):

Labcorp Genetics (formerly Invitae), Labcorp
Classification: Uncertain significance for Charcot-Marie-Tooth disease type 2. Last evaluated: 2025-05-05. Review status: criteria provided, single submitter. Criteria: Invitae Variant Classification Sherloc (09022015). Collection method: clinical testing. Allele origin: germline.
Comment: This sequence change replaces glutamic acid, which is acidic and polar, with leucine, which is neutral and non-polar, at codon 105 of the LMNA protein (p.Glu105Leu). Information on the frequency of this variant in the gnomAD database is not available, as this variant may be reported differently in the database. This missense change has been observed in individual(s) with dilated cardiomyopathy (PMID: 30420677, 31737537, 32880476). ClinVar contains an entry for this variant (Variation ID: 1310339). An algorithm developed to predict the effect of missense changes on protein structure and function (PolyPhen-2) suggests that this variant is likely to be disruptive. In summary, the available evidence is currently insufficient to determine the role of this variant in disease. Therefore, it has been classified as a Variant of Uncertain Significance.

GeneDx
Classification: Uncertain significance. Last evaluated: 2022-03-25. Review status: criteria provided, single submitter. Criteria: GeneDx Variant Classification Process June 2021. Collection method: clinical testing. Allele origin: germline. Affected: yes.
Comment: Reported in patients with DCM in the published literature (Marschall et al., 2019; Verdonschot et al., 2020), including two patients with DCM and abnormal nuclei in approximately 10 and 18 percent of cultured fibroblasts (Van Tienen et al., 2019); Not observed at significant frequency in large population cohorts (gnomAD); In silico analysis supports a deleterious effect on protein structure/function; This variant is associated with the following publications: (PMID: 10939567, 31737537, 32880476, 30420677)

Literature cited by the submitters: PubMed 30420677 (cited by Labcorp Genetics (formerly Invitae), Labcorp); PubMed 31737537 (cited by Labcorp Genetics (formerly Invitae), Labcorp); PubMed 32880476 (cited by Labcorp Genetics (formerly Invitae), Labcorp).

NM_170707.4(LMNA):c.313_314delinsTT (p.Glu105Leu)

Gene: LMNA (lamin A/C; plus strand). Cytogenetic location: 1q22.
Variant type: Indel.
Coding change: c.313_314delinsTT on transcript NM_170707.4 (MANE Select); coding-DNA positions 313 to 314, GA replaced by TT.
Protein change: p.Glu105Leu; replaces glutamic acid 105 with leucine.
Molecular consequence: missense variant.
Genome position (GRCh38, 1-based): chr1:156,115,231-156,115,232, GA replaced by TT. VCF-style: chr1-156115231-GA-TT. GRCh37 (hg19) VCF-style: chr1-156085022-GA-TT.
Other names: c.313_314delinsTT, p.Glu105Leu (NM_001282625.2, NM_001282626.2, NM_005572.4 and 1 more transcripts); short protein forms E105L.
Identifiers: ClinVar variation 1310339 (VCV001310339.7), dbSNP rs2102818950, ClinGen allele CA2573051385.
Genomic context (GRCh38, chr1:156,115,231, plus strand): 5'-CTCGGGGATGCCCGCAAGACCCTTGACTCAGTAGCCAAGGAGCGCGCCCGCCTGCAGCTG[GA>TT]GCTGAGCAAAGTGCGTGAGGAGTTTAAGGAGCTGAAAGCGCGGTGAGTTCGCCCAGGTGG-3'
Protein context (NP_733821.1, residues 95-115): VAKERARLQL[Glu105Leu]LSKVREEFKE